The following is an entry in ClinVar:

NM_000709.4(BCKDHA):c.1310_1311del (p.His437fs)

Gene: BCKDHA (branched chain keto acid dehydrogenase E1 subunit alpha; plus strand). Cytogenetic location: 19q13.2.
Variant type: Deletion.
Coding change: c.1310_1311del on transcript NM_000709.4 (MANE Select); coding-DNA positions 1310 to 1311, 2 bases deleted (AC; older notation c.1310_1311delAC).
Protein change: p.His437fs; shifts the reading frame from histidine 437.
Molecular consequence: frameshift variant.
Genome position (GRCh38, 1-based): chr19:41,424,580-41,424,581, AC deleted; deleting any 2 consecutive bases within chr19:41,424,579-41,424,581 gives the same sequence; the c. name uses the placement nearest the transcript's 3' end. VCF-style (leftmost placement, unchanged base first): chr19-41424578-GCA-G. GRCh37 (hg19) VCF-style: chr19-41930483-GCA-G.
Other names: c.1307_1308del, p.His436fs (NM_001164783.2); c.1309_1310del (NM_000709.4); short protein forms H437fs, H436fs.
Identifiers: ClinVar variation 93347 (VCV000093347.11), dbSNP rs398123492, ClinGen allele CA221186.

ClinVar aggregate classification (germline): Pathogenic. Review status: criteria provided, multiple submitters, no conflicts (2 of 4 stars). 3 submissions from 3 submitters: Pathogenic (3). Last evaluated 2023-12-03.

Conditions:
Maple syrup urine disease type 1A (MSUD1A). Also called: MSUD type 1A. Identifiers: MedGen C1855369, MONDO:0023691, OMIM 248600.
Maple syrup urine disease (MSUD). Identifiers: Orphanet 511, MedGen C0024776, MeSH D008375, MONDO:0009563. Disease mechanism: loss of function.

Submissions (3):

Labcorp Genetics (formerly Invitae), Labcorp
Classification: Pathogenic for Maple syrup urine disease. Last evaluated: 2023-12-03. Review status: criteria provided, single submitter. Criteria: Invitae Variant Classification Sherloc (09022015). Collection method: clinical testing. Allele origin: germline.
Comment: This sequence change creates a premature translational stop signal (p.His437Leufs*8) in the BCKDHA gene. While this is not anticipated to result in nonsense mediated decay, it is expected to disrupt the last 9 amino acid(s) of the BCKDHA protein. This variant is present in population databases (rs398123492, gnomAD 0.006%). This premature translational stop signal has been observed in individual(s) with maple syrup urine disease (PMID: 26937410). ClinVar contains an entry for this variant (Variation ID: 93347). This variant disrupts a region of the BCKDHA protein in which other variant(s) (p.Tyr438Asn) have been determined to be pathogenic (PMID: 2703538, 11825067, 12888983, 20136525, 26830710, 28170084). This suggests that this is a clinically significant region of the protein, and that variants that disrupt it are likely to be disease-causing. For these reasons, this variant has been classified as Pathogenic.

Baylor Genetics
Classification: Pathogenic for Maple syrup urine disease type 1A. Last evaluated: 2023-11-14. Review status: criteria provided, single submitter. Criteria: ACMG Guidelines, 2015. Collection method: clinical testing. Allele origin: unknown.

Eurofins Ntd Llc (ga)
Classification: Pathogenic. Last evaluated: 2013-08-23. Review status: criteria provided, single submitter. Criteria: EGL Classification Definitions. Collection method: clinical testing. Allele origin: germline. Observed: 5 variant alleles, 4 heterozygotes, 1 homozygote.

Literature cited by the submitters: PubMed 26937410 (cited by Labcorp Genetics (formerly Invitae), Labcorp); PubMed 2703538 (cited by Labcorp Genetics (formerly Invitae), Labcorp); PubMed 11825067 (cited by Labcorp Genetics (formerly Invitae), Labcorp); PubMed 12888983 (cited by Labcorp Genetics (formerly Invitae), Labcorp); PubMed 20136525 (cited by Labcorp Genetics (formerly Invitae), Labcorp); PubMed 26830710 (cited by Labcorp Genetics (formerly Invitae), Labcorp); PubMed 28170084 (cited by Labcorp Genetics (formerly Invitae), Labcorp).